The following is an entry in ClinVar:

ClinVar aggregate classification (germline): Uncertain significance (1 of 4 stars; one submission).

Conditions:
Mowat-Wilson syndrome (MOWS). Also called: Classic Mowat-Wilson Syndrome. Identifiers: Orphanet 2152, MedGen C1856113, MONDO:0009341, OMIM 235730.

Submission:

Labcorp Genetics (formerly Invitae), Labcorp
Classification: Uncertain significance for Mowat-Wilson syndrome. Last evaluated: 2024-02-17. Review status: criteria provided, single submitter. Criteria: Invitae Variant Classification Sherloc (09022015). Collection method: clinical testing. Allele origin: germline.
Comment: This sequence change replaces proline, which is neutral and non-polar, with arginine, which is basic and polar, at codon 785 of the ZEB2 protein (p.Pro785Arg). This variant is not present in population databases (gnomAD no frequency). This variant has not been reported in the literature in individuals affected with ZEB2-related conditions. ClinVar contains an entry for this variant (Variation ID: 574367). Advanced modeling performed at Invitae incorporating data from internal and/or published experimental studies (Invitae) indicates that this missense variant is not expected to disrupt ZEB2 function with a negative predictive value of 95%. In summary, the available evidence is currently insufficient to determine the role of this variant in disease. Therefore, it has been classified as a Variant of Uncertain Significance.

NM_014795.4(ZEB2):c.2354C>G (p.Pro785Arg)

Gene: ZEB2 (zinc finger E-box binding homeobox 2; minus strand). Cytogenetic location: 2q22.3.
Variant type: single nucleotide variant.
Coding change: c.2354C>G on transcript NM_014795.4 (MANE Select); coding-DNA position 2354, C replaced by G.
Protein change: p.Pro785Arg; replaces proline 785 with arginine.
Molecular consequence: missense variant.
Genome position (GRCh38, 1-based): chr2:144,398,833, G>C on the plus strand (C>G on the coding strand, the complement: ZEB2 is on the minus strand). VCF-style: chr2-144398833-G-C. GRCh37 (hg19) VCF-style: chr2-145156400-G-C.
Other names: c.2282C>G, p.Pro761Arg (NM_001171653.2); short protein forms P785R, P761R.
Identifiers: ClinVar variation 574367 (VCV000574367.8), dbSNP rs1560606278, ClinGen allele CA348708471.